The following is an entry in ClinVar:

ClinVar aggregate classification (germline): Conflicting classifications of pathogenicity. Review status: criteria provided, conflicting classifications (1 of 4 stars). 7 submissions from 7 submitters: Uncertain significance (1); Benign (1); Likely benign (3). 2 of the submissions do not count toward it. Last evaluated 2026-01-28.

Conditions:
Alport syndrome. Also called: Hemorrhagic familial nephritis; Hemorrhagic hereditary nephritis; Congenital hereditary hematuria. Identifiers: Orphanet 63, MedGen C1567741, MONDO:0018965.
COL4A4-related disorder.

Allele frequency attached by ClinVar (database versions not stated): 1000 Genomes Project 30x 0.00016; 1000 Genomes Project 0.00020; gnomAD exomes 0.00020 and 0.00041; gnomAD 0.00026 and 0.00027; ExAC 0.00034; ESP Exome Variant Server 0.00042.
gnomAD v4.1: 362 of 1,613,664 alleles (0.022%); highest among the groups gnomAD compares: Admixed American, 0.023%; 1 homozygote.

Submissions (7):

Labcorp Genetics (formerly Invitae), Labcorp
Classification: Benign. Last evaluated: 2026-01-28. Review status: criteria provided, single submitter. Criteria: Invitae Variant Classification Sherloc (09022015). Collection method: clinical testing. Allele origin: germline.

Blueprint Genetics
Classification: Likely benign. Last evaluated: 2024-11-26. Review status: criteria provided, single submitter. Criteria: ACMG Guidelines, 2015. Collection method: clinical testing. Allele origin: germline.

Laboratory for Molecular Medicine, Mass General Brigham Personalized Medicine
Classification: Likely benign. Last evaluated: 2022-03-23. Review status: criteria provided, single submitter. Criteria: ACMG Guidelines, 2015. Collection method: clinical testing. Allele origin: germline.
Comment: The The p.Gly479Arg variant in COL4A4 is classified as likely benign due to a lack of conservation across species. Over 20 mammals carry a Arginine at this position. In addition, computational prediction tools predict that this variant does not impact the protein. Additionally it has been identified in 0.7% (75/10356) of Ashkenazi Jewish chromosomes by gnomAD. ACMG/AMP Criteria applied: BP4_Strong, BA1.

GeneDx
Classification: Likely benign. Last evaluated: 2019-06-10. Review status: criteria provided, single submitter. Criteria: GeneDx Variant Classification Process June 2021. Collection method: clinical testing. Allele origin: germline. Affected: yes.

Illumina Laboratory Services, Illumina
Classification: Uncertain significance for Alport syndrome. Last evaluated: 2018-01-13. Review status: criteria provided, single submitter. Criteria: ICSL Variant Classification Criteria 13 December 2019. Collection method: clinical testing. Allele origin: germline.

PreventionGenetics, part of Exact Sciences
Classification: Benign for COL4A4-related condition. Last evaluated: 2022-12-19. Review status: no assertion criteria provided. Collection method: clinical testing. Allele origin: germline. Not counted in ClinVar's aggregate classification.
Comment: This variant is classified as benign based on ACMG/AMP sequence variant interpretation guidelines (Richards et al. 2015 PMID: 25741868, with internal and published modifications).

Natera, Inc.
Classification: Benign for Alport syndrome. Last evaluated: 2019-10-28. Review status: no assertion criteria provided. Collection method: clinical testing. Allele origin: germline. Not counted in ClinVar's aggregate classification.

NM_000092.5(COL4A4):c.1435G>C (p.Gly479Arg)

Gene: COL4A4 (collagen type IV alpha 4 chain; minus strand). Cytogenetic location: 2q36.3.
Variant type: single nucleotide variant.
Coding change: c.1435G>C on transcript NM_000092.5 (MANE Select); coding-DNA position 1435, G replaced by C.
Protein change: p.Gly479Arg; replaces glycine 479 with arginine.
Molecular consequence: missense variant.
Genome position (GRCh38, 1-based): chr2:227,089,892, C>G on the plus strand (G>C on the coding strand, the complement: COL4A4 is on the minus strand). VCF-style: chr2-227089892-C-G. GRCh37 (hg19) VCF-style: chr2-227954608-C-G.
Other names: short protein forms G479R.
Identifiers: ClinVar variation 334731 (VCV000334731.22), dbSNP rs202210475, ClinGen allele CA2145167.